The following is an entry in ClinVar:

ClinVar aggregate classification (germline): Benign/Likely benign. Review status: criteria provided, multiple submitters, no conflicts (2 of 4 stars). 3 submissions from 3 submitters: Benign (1); Likely benign (1). 1 of the submissions does not count toward it. Last evaluated 2025-01-16.

Conditions:
Familial cancer of breast. Also called: BREAST CANCER, FAMILIAL; Hereditary breast cancer; hereditary breast carcinoma. Identifiers: Orphanet 227535, MedGen C0346153, MONDO:0016419, OMIM 114480. Disease mechanism: loss of function.
Hereditary cancer-predisposing syndrome. Also called: Neoplastic Syndromes, Hereditary; Tumor predisposition; Hereditary Cancer Syndrome; Hereditary neoplastic syndrome. Identifiers: Orphanet 140162, MedGen C0027672, MeSH D009386, MONDO:0015356.

Submissions (3):

Myriad Genetics, Inc.
Classification: Benign for Familial cancer of breast. Last evaluated: 2025-01-16. Review status: criteria provided, single submitter. Criteria: Myriad Autosomal Dominant, Autosomal Recessive and X-Linked Classification Criteria (2023). Collection method: clinical testing. Allele origin: unknown.
Comment: This variant is considered benign. This variant is a silent/synonymous amino acid change and it is not expected to impact splicing.

Ambry Genetics
Classification: Likely benign for Hereditary cancer-predisposing syndrome. Last evaluated: 2018-12-06. Review status: criteria provided, single submitter. Criteria: Ambry Variant Classification Scheme 2023. Collection method: clinical testing. Allele origin: germline.

Leiden Open Variation Database
Classification: Uncertain significance. Last evaluated: 2018-08-25. Review status: no assertion criteria provided. Collection method: curation. Allele origin: germline. Affected: yes. Not counted in ClinVar's aggregate classification.
Comment: Curators: Marc Tischkowitz, Arleen D. Auerbach. Submitter to LOVD: Yukihide Momozawa.

Literature cited by the submitters: PubMed 30287823 (cited by Ambry Genetics and Leiden Open Variation Database).

NM_024675.4(PALB2):c.2367G>C (p.Leu789=)

Gene: PALB2 (partner and localizer of BRCA2; minus strand). Cytogenetic location: 16p12.2.
Variant type: single nucleotide variant.
Coding change: c.2367G>C on transcript NM_024675.4 (MANE Select); coding-DNA position 2367, G replaced by C.
Protein change: p.Leu789=; no amino-acid change (leucine 789 retained).
Molecular consequence: synonymous variant.
Genome position (GRCh38, 1-based): chr16:23,629,787, C>G on the plus strand (G>C on the coding strand, the complement: PALB2 is on the minus strand). VCF-style: chr16-23629787-C-G. GRCh37 (hg19) VCF-style: chr16-23641108-C-G.
Identifiers: ClinVar variation 821160 (VCV000821160.6), dbSNP rs780985758, ClinGen allele CA494460950.